The following is an entry in ClinVar:

NM_006329.4(FBLN5):c.241T>C (p.Ser81Pro)

Gene: FBLN5 (fibulin 5; minus strand). Cytogenetic location: 14q32.12.
Variant type: single nucleotide variant.
Coding change: c.241T>C on transcript NM_006329.4 (MANE Select); coding-DNA position 241, T replaced by C.
Protein change: p.Ser81Pro; replaces serine 81 with proline.
Molecular consequence: missense variant.
Genome position (GRCh38, 1-based): chr14:91,937,085, A>G on the plus strand (T>C on the coding strand, the complement: FBLN5 is on the minus strand). VCF-style: chr14-91937085-A-G. GRCh37 (hg19) VCF-style: chr14-92403429-A-G.
Other names: c.364T>C, p.Ser122Pro (NM_001384158.1); c.292T>C, p.Ser98Pro (NM_001384159.1); c.241T>C, p.Ser81Pro (NM_001384160.1); c.73T>C, p.Ser25Pro (NM_001384161.1, NM_001384162.1); short protein forms S81P, S122P, S25P, S98P.
Identifiers: ClinVar variation 2738800 (VCV002738800.3), dbSNP rs1479197790, ClinGen allele CA390639883.
Genomic context (GRCh38, chr14:91,937,085, plus strand): 5'-CTGAGAGTGGTGGGGCAGCTGCTGGGTACGGACCTGAGTAGGGGGTCGAGTAGGGGTTCG[A>G]GTAGGGCCCTCGATACACAGGGTTTGTCCGGGGAATGCATAAATACCCGCCATTTTGGTT-3'
Protein context (NP_006320.2, residues 71-91): RTNPVYRGPY[Ser81Pro]NPYSTPYSGP

ClinVar aggregate classification (germline): Uncertain significance (1 of 4 stars; one submission).

Allele frequency attached by ClinVar (database versions not stated): TOPMed below 0.00001; gnomAD 0.00001.
gnomAD v4.1: 1 of 1,613,750 alleles (0.000062%); highest among the groups gnomAD compares: Non-Finnish European, 0.000085%; no homozygotes.

Submission:

Labcorp Genetics (formerly Invitae), Labcorp
Classification: Uncertain significance. Last evaluated: 2023-07-08. Review status: criteria provided, single submitter. Criteria: Invitae Variant Classification Sherloc (09022015). Collection method: clinical testing. Allele origin: germline.
Comment: This sequence change replaces serine, which is neutral and polar, with proline, which is neutral and non-polar, at codon 81 of the FBLN5 protein (p.Ser81Pro). This variant is not present in population databases (gnomAD no frequency). This variant has not been reported in the literature in individuals affected with FBLN5-related conditions. An algorithm developed to predict the effect of missense changes on protein structure and function (PolyPhen-2) suggests that this variant is likely to be tolerated. In summary, the available evidence is currently insufficient to determine the role of this variant in disease. Therefore, it has been classified as a Variant of Uncertain Significance.